The following is an entry in ClinVar:

ClinVar aggregate classification (germline): Uncertain significance (1 of 4 stars; one submission).

Conditions:
Familial adenomatous polyposis 1 (FAP1). Also called: FAMILIAL ADENOMATOUS POLYPOSIS 1, ATTENUATED; POLYPOSIS, ADENOMATOUS INTESTINAL. Identifiers: MedGen C2713442, MONDO:0021056, OMIM 175100. Disease mechanism: loss of function.

Submission:

Labcorp Genetics (formerly Invitae), Labcorp
Classification: Uncertain significance for Familial adenomatous polyposis 1. Last evaluated: 2020-04-19. Review status: criteria provided, single submitter. Criteria: Invitae Variant Classification Sherloc (09022015). Collection method: clinical testing. Allele origin: germline.
Comment: This sequence change replaces alanine with glycine at codon 2219 of the APC protein (p.Ala2219Gly). The alanine residue is weakly conserved and there is a small physicochemical difference between alanine and glycine. In summary, the available evidence is currently insufficient to determine the role of this variant in disease. Therefore, it has been classified as a Variant of Uncertain Significance. Algorithms developed to predict the effect of missense changes on protein structure and function (SIFT, PolyPhen-2, Align-GVGD) all suggest that this variant is likely to be tolerated, but these predictions have not been confirmed by published functional studies and their clinical significance is uncertain. This variant has not been reported in the literature in individuals with APC-related conditions. This variant is not present in population databases (ExAC no frequency).

NM_000038.6(APC):c.6656C>G (p.Ala2219Gly)

Gene: APC (APC regulator of Wnt signaling pathway; plus strand). Cytogenetic location: 5q22.2.
Variant type: single nucleotide variant.
Coding change: c.6656C>G on transcript NM_000038.6 (MANE Select); coding-DNA position 6656, C replaced by G.
Protein change: p.Ala2219Gly; replaces alanine 2219 with glycine.
Molecular consequence: missense variant.
Genome position (GRCh38, 1-based): chr5:112,842,250, C>G. VCF-style: chr5-112842250-C-G. GRCh37 (hg19) VCF-style: chr5-112177947-C-G.
Other names: c.6656C>G, p.Ala2219Gly (NM_001127510.3, NM_001354895.2); c.6602C>G, p.Ala2201Gly (NM_001127511.3); c.6710C>G, p.Ala2237Gly (NM_001354896.2); c.6686C>G, p.Ala2229Gly (NM_001354897.2); c.6581C>G, p.Ala2194Gly (NM_001354898.2); c.6572C>G, p.Ala2191Gly (NM_001354899.2); c.6533C>G, p.Ala2178Gly (NM_001354900.2); c.6479C>G, p.Ala2160Gly (NM_001354901.2); and 5 more; short protein forms A1936G, A2059G, A2093G, A2118G, A2128G, A2160G, A2178G, A2191G.
Identifiers: ClinVar variation 1060594 (VCV001060594.10), dbSNP rs774479966, ClinGen allele CA16035893.
Genomic context (GRCh38, chr5:112,842,250, plus strand): 5'-TTACTGGAAAAGTTCGATCTAATTCAGAAATTTCAGGCCAAATGAAACAGCCCCTTCAAG[C>G]AAACATGCCTTCAATCTCTCGAGGCAGGACAATGATTCATATTCCAGGAGTTCGAAATAG-3'
Protein context (NP_000029.2, residues 2209-2229): ISGQMKQPLQ[Ala2219Gly]NMPSISRGRT